The following is an entry in ClinVar:

NM_001374736.1(DST):c.12847T>C (p.Ser4283Pro)

Gene: DST (dystonin; minus strand). Cytogenetic location: 6p12.1.
Variant type: single nucleotide variant.
Coding change: c.12847T>C on transcript NM_001374736.1 (MANE Select); coding-DNA position 12847, T replaced by C.
Protein change: p.Ser4283Pro; replaces serine 4283 with proline.
Molecular consequence: missense variant.
Genome position (GRCh38, 1-based): chr6:56,592,238, A>G on the plus strand (T>C on the coding strand, the complement: DST is on the minus strand). VCF-style: chr6-56592238-A-G. GRCh37 (hg19) VCF-style: chr6-56457036-A-G.
Other names: c.6490T>C, p.Ser2164Pro (NM_001144769.5); c.6076T>C, p.Ser2026Pro (NM_001144770.2); c.12847T>C, p.Ser4283Pro (NM_001374722.1); c.12214T>C, p.Ser4072Pro (NM_001374729.1); c.5956T>C, p.Ser1986Pro (NM_001374730.1, NM_001386100.1, NM_183380.4); c.12874T>C, p.Ser4292Pro (NM_001374734.1); c.4978T>C, p.Ser1660Pro (NM_015548.5); short protein forms S2026P, S2164P, S4292P, S1660P, S4072P, S1986P, S4283P.
Identifiers: ClinVar variation 1417675 (VCV001417675.6), dbSNP rs755666731, ClinGen allele CA3868377.

ClinVar aggregate classification (germline): Uncertain significance (1 of 4 stars; one submission).

Conditions:
Hereditary sensory and autonomic neuropathy type 6. Also called: HSAN VI; Neuropathy, hereditary sensory and autonomic, type VI. Identifiers: Orphanet 314381, MedGen C3539003, MONDO:0013839, OMIM 614653.
Epidermolysis bullosa simplex 3, localized or generalized intermediate, with BP230 deficiency (EBS3). Also called: Epidermolysis bullosa simplex, autosomal recessive 2; Epidermolysis bullosa simplex due to BP230 deficiency. Identifiers: Orphanet 412181, MedGen C3809470, MONDO:0014180, OMIM 615425.

Allele frequency attached by ClinVar (database versions not stated): gnomAD 0.00001; gnomAD exomes 0.00001 and 0.00002; TOPMed 0.00002; ExAC 0.00005.
gnomAD v4.1: 18 of 1,613,520 alleles (0.0011%); highest among the groups gnomAD compares: East Asian, 0.0022%; no homozygotes.

Submission:

Labcorp Genetics (formerly Invitae), Labcorp
Classification: Uncertain significance for Epidermolysis bullosa simplex 3, localized or generalized intermediate, with BP230 deficiency; Hereditary sensory and autonomic neuropathy type 6. Last evaluated: 2021-08-04. Review status: criteria provided, single submitter. Criteria: Invitae Variant Classification Sherloc (09022015). Collection method: clinical testing. Allele origin: germline.
Comment: Experimental studies and prediction algorithms are not available or were not evaluated, and the functional significance of this variant is currently unknown. In summary, the available evidence is currently insufficient to determine the role of this variant in disease. Therefore, it has been classified as a Variant of Uncertain Significance. This variant has not been reported in the literature in individuals affected with DST-related conditions. This variant is present in population databases (rs755666731, ExAC 0.008%). This sequence change replaces serine with proline at codon 1660 of the DST protein (p.Ser1660Pro). The DST gene has multiple clinically relevant transcripts. This variant occurs in alternate transcript NM_015548.4, and corresponds to NM_001723.5:c.*23279T>C in the primary transcript.